The following is an entry in ClinVar:

NM_001283009.2(RTEL1):c.2819C>T (p.Ala940Val)

Genes: RTEL1 (regulator of telomere elongation helicase 1; plus strand), RTEL1-TNFRSF6B (RTEL1-TNFRSF6B readthrough (NMD candidate); plus strand). Cytogenetic location: 20q13.33.
Variant type: single nucleotide variant.
Coding change: c.2819C>T on transcript NM_001283009.2 (MANE Select); coding-DNA position 2819, C replaced by T.
Protein change: p.Ala940Val; replaces alanine 940 with valine.
Molecular consequence: missense variant. On other transcripts: non-coding transcript variant (1).
Genome position (GRCh38, 1-based): chr20:63,692,971, C>T. VCF-style: chr20-63692971-C-T. GRCh37 (hg19) VCF-style: chr20-62324324-C-T.
Other names: c.2150C>T, p.Ala717Val (NM_001283010.1); c.2819C>T, p.Ala940Val (NM_016434.4); c.2891C>T, p.Ala964Val (NM_032957.5); short protein forms A940V, A964V, A717V.
Identifiers: ClinVar variation 3790959 (VCV003790959.1).
Genomic context (GRCh38, chr20:63,692,971, plus strand): 5'-AGGACTACAAGGGTTCCGATGACTTCGCCGCCCTGGCCGCCTGTCTCGGCCCCCTCTTTG[C>T]TGAGGACCCCAAGAAGCACAACCTGCTCCAAGGTGCCCTGGCTTGCAGAGGCCACCCACC-3'
Protein context (NP_001269938.1, residues 930-950): ALAACLGPLF[Ala940Val]EDPKKHNLLQ

ClinVar aggregate classification (germline): Uncertain significance (1 of 4 stars; one submission).

Conditions:
Inborn genetic diseases. Identifiers: MedGen C0950123, MeSH D030342.

gnomAD v4.1: 12 of 1,612,624 alleles (0.00074%); highest among the groups gnomAD compares: Non-Finnish European, 0.001%; no homozygotes.

Submission:

Ambry Genetics
Classification: Uncertain significance for Inborn genetic diseases. Last evaluated: 2024-12-12. Review status: criteria provided, single submitter. Criteria: Ambry Variant Classification Scheme 2023. Collection method: clinical testing. Allele origin: germline.
Comment: The p.A940V variant (also known as c.2819C>T), located in coding exon 28 of the RTEL1 gene, results from a C to T substitution at nucleotide position 2819. The alanine at codon 940 is replaced by valine, an amino acid with similar properties. This amino acid position is conserved. In addition, this alteration is predicted to be tolerated by in silico analysis. Based on the available evidence, the clinical significance of this variant remains unclear.